The following is an entry in ClinVar:

ClinVar aggregate classification (germline): Likely benign. Review status: criteria provided, multiple submitters, no conflicts (2 of 4 stars). 3 submissions from 3 submitters: Likely benign (3). Last evaluated 2025-11-27.

Conditions:
COL18A1-related disorder. Also called: COL18A1-related disorders; COL18A1-related condition.

Allele frequency attached by ClinVar (database versions not stated): ExAC 0.00002; gnomAD exomes 0.00002 and 0.00005; gnomAD 0.00010 and 0.00011; TOPMed 0.00010.
gnomAD v4.1: 43 of 1,610,378 alleles (0.0027%); highest among the groups gnomAD compares: Middle Eastern, 0.033%; no homozygotes.

Submissions (3):

Labcorp Genetics (formerly Invitae), Labcorp
Classification: Likely benign. Last evaluated: 2025-11-27. Review status: criteria provided, single submitter. Criteria: Invitae Variant Classification Sherloc (09022015). Collection method: clinical testing. Allele origin: germline.

PreventionGenetics, part of Exact Sciences
Classification: Likely benign for COL18A1-related condition. Last evaluated: 2025-03-06. Review status: criteria provided, single submitter. Criteria: ACMG Guidelines, 2015. Collection method: clinical testing. Allele origin: germline.
Comment: This variant is classified as likely benign based on ACMG/AMP sequence variant interpretation guidelines (Richards et al. 2015 PMID: 25741868, with internal and published modifications).

Blueprint Genetics
Classification: Likely benign. Last evaluated: 2024-08-22. Review status: criteria provided, single submitter. Criteria: ACMG Guidelines, 2015. Collection method: clinical testing. Allele origin: germline.

NM_001379500.1(COL18A1):c.2397G>A (p.Pro799=)

Gene: COL18A1 (collagen type XVIII alpha 1 chain; plus strand). Cytogenetic location: 21q22.3.
Variant type: single nucleotide variant.
Coding change: c.2397G>A on transcript NM_001379500.1 (MANE Select); coding-DNA position 2397, G replaced by A.
Protein change: p.Pro799=; no amino-acid change (proline 799 retained).
Molecular consequence: synonymous variant.
Genome position (GRCh38, 1-based): chr21:45,494,879, G>A. VCF-style: chr21-45494879-G-A. GRCh37 (hg19) VCF-style: chr21-46914793-G-A.
Other names: c.2937G>A (NM_030582.3); c.2937G>A, p.Pro979= (NM_030582.4); c.3642G>A, p.Pro1214= (NM_130444.3).
Identifiers: ClinVar variation 1611844 (VCV001611844.10), dbSNP rs769167595, ClinGen allele CA10067070.